The following is an entry in ClinVar:

NM_002471.4(MYH6):c.5575G>A (p.Asp1859Asn)

Gene: MYH6 (myosin heavy chain 6; minus strand). Cytogenetic location: 14q11.2.
Variant type: single nucleotide variant.
Coding change: c.5575G>A on transcript NM_002471.4 (MANE Select); coding-DNA position 5575, G replaced by A.
Protein change: p.Asp1859Asn; replaces aspartic acid 1859 with asparagine.
Molecular consequence: missense variant.
Genome position (GRCh38, 1-based): chr14:23,383,311, C>T on the plus strand (G>A on the coding strand, the complement: MYH6 is on the minus strand). VCF-style: chr14-23383311-C-T. GRCh37 (hg19) VCF-style: chr14-23852520-C-T.
Other names: short protein forms D1859N.
Identifiers: ClinVar variation 470550 (VCV000470550.9), dbSNP rs1441072867, ClinGen allele CA388983449.

ClinVar aggregate classification (germline): Uncertain significance. Review status: criteria provided, multiple submitters, no conflicts (2 of 4 stars). 3 submissions from 3 submitters: Uncertain significance (3). Last evaluated 2025-12-01.

Conditions:
Hypertrophic cardiomyopathy 14. Identifiers: MedGen C2750467, MONDO:0013197, OMIM 613251.
Cardiovascular phenotype. Identifiers: MedGen CN230736.

Allele frequency attached by ClinVar (database versions not stated): gnomAD exomes below 0.00001; gnomAD 0.00002.

Submissions (3):

Labcorp Genetics (formerly Invitae), Labcorp
Classification: Uncertain significance for Hypertrophic cardiomyopathy 14. Last evaluated: 2025-12-01. Review status: criteria provided, single submitter. Criteria: Invitae Variant Classification Sherloc (09022015). Collection method: clinical testing. Allele origin: germline.
Comment: This sequence change replaces aspartic acid, which is acidic and polar, with asparagine, which is neutral and polar, at codon 1859 of the MYH6 protein (p.Asp1859Asn). The frequency data for this variant in the population databases is considered unreliable, as metrics indicate poor data quality at this position in the gnomAD database. This missense change has been observed in individual(s) with MYH6-related conditions (PMID: 38895864). ClinVar contains an entry for this variant (Variation ID: 470550). Invitae Evidence Modeling of protein sequence and biophysical properties (such as structural, functional, and spatial information, amino acid conservation, physicochemical variation, residue mobility, and thermodynamic stability) has been performed for this missense variant. However, the output from this modeling did not meet the statistical confidence thresholds required to predict the impact of this variant on MYH6 protein function. In summary, the available evidence is currently insufficient to determine the role of this variant in disease. Therefore, it has been classified as a Variant of Uncertain Significance.

Ambry Genetics
Classification: Uncertain significance for Cardiovascular phenotype. Last evaluated: 2023-10-20. Review status: criteria provided, single submitter. Criteria: Ambry Variant Classification Scheme 2023. Collection method: clinical testing. Allele origin: germline.
Comment: The p.D1859N variant (also known as c.5575G>A), located in coding exon 35 of the MYH6 gene, results from a G to A substitution at nucleotide position 5575. The aspartic acid at codon 1859 is replaced by asparagine, an amino acid with highly similar properties. This amino acid position is conserved. In addition, the in silico prediction for this alteration is inconclusive. Since supporting evidence is limited at this time, the clinical significance of this alteration remains unclear.

AiLife Diagnostics
Classification: Uncertain significance. Last evaluated: 2022-02-25. Review status: criteria provided, single submitter. Criteria: ACMG Guidelines, 2015. Collection method: clinical testing. Allele origin: germline. Affected: yes. Observed: 1 variant allele.

Literature cited by the submitters: PubMed 38895864 (cited by Labcorp Genetics (formerly Invitae), Labcorp).